The following is an entry in ClinVar:

NM_015910.7(WDPCP):c.2001T>G (p.Phe667Leu)

Gene: WDPCP (WD repeat containing planar cell polarity effector; minus strand). Cytogenetic location: 2p15.
Variant type: single nucleotide variant.
Coding change: c.2001T>G on transcript NM_015910.7 (MANE Select); coding-DNA position 2001, T replaced by G.
Protein change: p.Phe667Leu; replaces phenylalanine 667 with leucine.
Molecular consequence: missense variant. On other transcripts: non-coding transcript variant (3).
Genome position (GRCh38, 1-based): chr2:63,174,747, A>C on the plus strand (T>G on the coding strand, the complement: WDPCP is on the minus strand). VCF-style: chr2-63174747-A-C. GRCh37 (hg19) VCF-style: chr2-63401882-A-C.
Other names: c.1524T>G, p.Phe508Leu (NM_001042692.3); c.1929T>G, p.Phe643Leu (NM_001354044.2); short protein forms F643L, F508L, F667L.
Identifiers: ClinVar variation 1990522 (VCV001990522.4), dbSNP rs781418589, ClinGen allele CA1682033.

ClinVar aggregate classification (germline): Uncertain significance. Review status: criteria provided, multiple submitters, no conflicts (2 of 4 stars). 3 submissions from 3 submitters: Uncertain significance (2). 1 of the submissions does not count toward it. Last evaluated 2022-11-18.

Conditions:
Bardet-Biedl syndrome (BBS). Identifiers: Orphanet 110, MedGen C0752166, MONDO:0015229.
WDPCP-related disorder. Also called: WDPCP-related condition.
Inborn genetic diseases. Identifiers: MedGen C0950123, MeSH D030342.

Allele frequency attached by ClinVar (database versions not stated): ExAC 0.00001; gnomAD 0.00001; gnomAD exomes 0.00001; TOPMed 0.00001.
gnomAD v4.1: 9 of 1,613,902 alleles (0.00056%); highest among the groups gnomAD compares: Non-Finnish European, 0.00068%; no homozygotes.

Submissions (3):

Ambry Genetics
Classification: Uncertain significance for Inborn genetic diseases. Last evaluated: 2022-11-18. Review status: criteria provided, single submitter. Criteria: Ambry Variant Classification Scheme 2023. Collection method: clinical testing. Allele origin: germline.

Labcorp Genetics (formerly Invitae), Labcorp
Classification: Uncertain significance for Bardet-Biedl syndrome. Last evaluated: 2022-07-08. Review status: criteria provided, single submitter. Criteria: Invitae Variant Classification Sherloc (09022015). Collection method: clinical testing. Allele origin: germline.
Comment: In summary, the available evidence is currently insufficient to determine the role of this variant in disease. Therefore, it has been classified as a Variant of Uncertain Significance. Algorithms developed to predict the effect of missense changes on protein structure and function output the following: SIFT: "Tolerated"; PolyPhen-2: "Benign"; Align-GVGD: "Class C0". The leucine amino acid residue is found in multiple mammalian species, which suggests that this missense change does not adversely affect protein function. This variant has not been reported in the literature in individuals affected with WDPCP-related conditions. This variant is present in population databases (rs781418589, gnomAD 0.002%). This sequence change replaces phenylalanine, which is neutral and non-polar, with leucine, which is neutral and non-polar, at codon 667 of the WDPCP protein (p.Phe667Leu).

PreventionGenetics, part of Exact Sciences
Classification: Uncertain significance for WDPCP-related condition. Last evaluated: 2024-07-08. Review status: no assertion criteria provided. Collection method: clinical testing. Allele origin: germline. Not counted in ClinVar's aggregate classification.
Comment: The WDPCP c.2001T>G variant is predicted to result in the amino acid substitution p.Phe667Leu. To our knowledge, this variant has not been reported in the literature. This variant is reported in 0.0018% of alleles in individuals of European (Non-Finnish) descent in gnomAD. At this time, the clinical significance of this variant is uncertain due to the absence of conclusive functional and genetic evidence.